The following is an entry in ClinVar:

ClinVar aggregate classification (germline): Pathogenic (1 of 4 stars; one submission).

Conditions:
Mucopolysaccharidosis, MPS-II (MPS2). Also called: Hunter Syndrome; IDURONATE 2-SULFATASE DEFICIENCY; Mucopolysaccharidosis Type II; Mucopolysaccharidosis type 2; Attenuated MPS (subtype; formerly known as mild MPS II); Severe MPS II. Identifiers: Orphanet 580, Orphanet 79388, MedGen C0026705, MONDO:0010674, OMIM 309900.

Submission:

Laboratory of Diagnosis and Therapy of Lysosomal Disorders, University of Padova
Classification: Pathogenic for Mucopolysaccharidosis, MPS-II. Last evaluated: 2024-06-07. Review status: criteria provided, single submitter. Criteria: ACMG Guidelines, 2015. Collection method: literature only. Allele origin: germline. Affected: yes. Observed: 1 variant allele.
Comment: Null variant (PVS1_Strong), Absent from controls (or at low frequency) in gnomAD database (PM2_Moderate), Patient’s phenotype or family history highly specific for the disease (PP4_Strong)

Classification method: ACMG Guidelines [PMID:25741868] with modifications

Literature cited by the submitters: PubMed 22976768.

NM_000202.8(IDS):c.1266C>A (p.Cys422Ter)

Gene: IDS (iduronate 2-sulfatase; minus strand). Cytogenetic location: Xq28.
Variant type: single nucleotide variant.
Coding change: c.1266C>A on transcript NM_000202.8 (MANE Select); coding-DNA position 1266, C replaced by A.
Protein change: p.Cys422Ter; replaces cysteine 422 with a stop codon.
Molecular consequence: nonsense.
Genome position (GRCh38, 1-based): chrX:149,483,133, G>T on the plus strand (C>A on the coding strand, the complement: IDS is on the minus strand). VCF-style: chrX-149483133-G-T. GRCh37 (hg19) VCF-style: chrX-148564664-G-T.
Other names: c.996C>A, p.Cys332Ter (NM_001166550.4); short protein forms C332*, C422*.
Identifiers: ClinVar variation 3256003 (VCV003256003.2).
Genomic context (GRCh38, chrX:149,483,133, plus strand): 5'-AAAATGCTTCAGAAGGTTCTTGCCTTCTCTGCACAGCTCAACGTGAAATGAAGGAACGGG[G>T]CAGCGAGGTGGAACCTGCAGTCCTGCAAGTCCAGCCAGCGTGGGAAAAAGAGACACAAGT-3'